The following is an entry in ClinVar:

ClinVar aggregate classification (germline): Uncertain significance. Review status: criteria provided, multiple submitters, no conflicts (2 of 4 stars). 2 submissions from 2 submitters: Uncertain significance (2). Last evaluated 2025-01-15.

Conditions:
Wilson-Turner syndrome (WTS). Also called: INTELLECTUAL DEVELOPMENTAL DISORDER, X-LINKED, SYNDROMIC, WILSON-TURNER TYPE; MENTAL RETARDATION, X-LINKED, SYNDROMIC 6. Identifiers: Orphanet 3459, MedGen C1839736, MONDO:0010665, OMIM 309585.

Allele frequency attached by ClinVar (database versions not stated): ExAC 0.00005; gnomAD 0.00002; gnomAD exomes 0.00009 and 0.00006; TOPMed 0.00005.
gnomAD v4.1: 28 of 1,209,967 alleles (0.0023%); highest among the groups gnomAD compares: Admixed American, 0.052%; no homozygotes.

Submissions (2):

Labcorp Genetics (formerly Invitae), Labcorp
Classification: Uncertain significance for Wilson-Turner syndrome. Last evaluated: 2025-01-15. Review status: criteria provided, single submitter. Criteria: Invitae Variant Classification Sherloc (09022015). Collection method: clinical testing. Allele origin: germline.
Comment: This sequence change replaces aspartic acid, which is acidic and polar, with tyrosine, which is neutral and polar, at codon 239 of the LAS1L protein (p.Asp239Tyr). This variant is present in population databases (rs750436732, gnomAD 0.06%), and has an allele count higher than expected for a pathogenic variant. This variant has not been reported in the literature in individuals affected with LAS1L-related conditions. ClinVar contains an entry for this variant (Variation ID: 577687). Invitae Evidence Modeling of protein sequence and biophysical properties (such as structural, functional, and spatial information, amino acid conservation, physicochemical variation, residue mobility, and thermodynamic stability) indicates that this missense variant is not expected to disrupt LAS1L protein function with a negative predictive value of 80%. In summary, the available evidence is currently insufficient to determine the role of this variant in disease. Therefore, it has been classified as a Variant of Uncertain Significance.

Ambry Genetics
Classification: Uncertain significance. Last evaluated: 2021-06-18. Review status: criteria provided, single submitter. Criteria: Ambry Variant Classification Scheme 2023. Collection method: clinical testing. Allele origin: germline.

NM_031206.7(LAS1L):c.715G>T (p.Asp239Tyr)

Gene: LAS1L (LAS1 like ribosome biogenesis factor; minus strand). Cytogenetic location: Xq12.
Variant type: single nucleotide variant.
Coding change: c.715G>T on transcript NM_031206.7 (MANE Select); coding-DNA position 715, G replaced by T.
Protein change: p.Asp239Tyr; replaces aspartic acid 239 with tyrosine.
Molecular consequence: missense variant. On other transcripts: 5 prime UTR variant (1), non-coding transcript variant (1).
Genome position (GRCh38, 1-based): chrX:65,529,678, C>A on the plus strand (G>T on the coding strand, the complement: LAS1L is on the minus strand). VCF-style: chrX-65529678-C-A. GRCh37 (hg19) VCF-style: chrX-64749558-C-A.
Other names: c.715G>T, p.Asp239Tyr (NM_001170649.2, NM_001375328.1, NM_001375329.1 and 7 more transcripts); c.589G>T, p.Asp197Tyr (NM_001170650.2); c.-82G>T (NM_001375332.1); short protein forms D239Y, D197Y.
Identifiers: ClinVar variation 577687 (VCV000577687.10), dbSNP rs750436732, ClinGen allele CA10434039.